The following is an entry in ClinVar:

ClinVar aggregate classification (germline): Uncertain significance (1 of 4 stars; one submission).

Submission:

Labcorp Genetics (formerly Invitae), Labcorp
Classification: Uncertain significance. Last evaluated: 2023-02-08. Review status: criteria provided, single submitter. Criteria: Invitae Variant Classification Sherloc (09022015). Collection method: clinical testing. Allele origin: germline.
Comment: This variant has not been reported in the literature in individuals affected with CD2AP-related conditions. This variant is not present in population databases (gnomAD no frequency). This variant, c.1213_1215del, results in the deletion of 1 amino acid(s) of the CD2AP protein (p.Ser405del), but otherwise preserves the integrity of the reading frame. Experimental studies and prediction algorithms are not available or were not evaluated, and the functional significance of this variant is currently unknown. In summary, the available evidence is currently insufficient to determine the role of this variant in disease. Therefore, it has been classified as a Variant of Uncertain Significance.

NM_012120.3(CD2AP):c.1210TCT[1] (p.Ser405del)

Gene: CD2AP (CD2 associated protein; plus strand). Cytogenetic location: 6p12.3.
Variant type: Microsatellite.
Coding change: c.1210TCT[1] on transcript NM_012120.3 (MANE Select); one copy of the 3-base unit TCT starting at c.1210; the reference has two copies in a row; one copy, 3 bases deleted.
Protein change: p.Ser405del; deletes serine 405.
Molecular consequence: inframe deletion.
Genome position (GRCh38, 1-based): chr6:47,595,965-47,595,967, TCT deleted; deleting any 3 consecutive bases within chr6:47,595,962-47,595,967 gives the same sequence; the position shown is the placement nearest the transcript's 3' end. VCF-style (leftmost placement, unchanged base first): chr6-47595961-ATCT-A. GRCh37 (hg19) VCF-style: chr6-47563697-ATCT-A.
Other names: short protein forms S405del.
Identifiers: ClinVar variation 2835588 (VCV002835588.3), dbSNP rs2481338884, ClinGen allele CA2739273078.